The following is an entry in ClinVar:

ClinVar aggregate classification (germline): Uncertain significance. Review status: criteria provided, multiple submitters, no conflicts (2 of 4 stars). 2 submissions from 2 submitters: Uncertain significance (2). Last evaluated 2024-12-13.

Conditions:
Multiple endocrine neoplasia, type 1 (MEN1). Also called: MEN I; WERMER SYNDROME; Endocrine adenomatosis multiple; MEN 1; MEA I. Identifiers: Orphanet 652, MedGen C0025267, MeSH D018761, MONDO:0007540, OMIM 131100.
Hereditary cancer-predisposing syndrome. Also called: Neoplastic Syndromes, Hereditary; Hereditary neoplastic syndrome; Hereditary Cancer Syndrome; Tumor predisposition. Identifiers: Orphanet 140162, MedGen C0027672, MeSH D009386, MONDO:0015356.

Allele frequency attached by ClinVar (database versions not stated): gnomAD exomes 0.00001.
gnomAD v4.1: 3 of 1,614,004 alleles (0.00019%); highest among the groups gnomAD compares: Non-Finnish European, 0.00025%; no homozygotes.

Submissions (2):

Labcorp Genetics (formerly Invitae), Labcorp
Classification: Uncertain significance for Multiple endocrine neoplasia, type 1. Last evaluated: 2024-12-13. Review status: criteria provided, single submitter. Criteria: Invitae Variant Classification Sherloc (09022015). Collection method: clinical testing. Allele origin: germline.
Comment: This sequence change replaces glutamic acid, which is acidic and polar, with lysine, which is basic and polar, at codon 274 of the MEN1 protein (p.Glu274Lys). This variant is not present in population databases (gnomAD no frequency). This variant has not been reported in the literature in individuals affected with MEN1-related conditions. ClinVar contains an entry for this variant (Variation ID: 944873). Invitae Evidence Modeling of protein sequence and biophysical properties (such as structural, functional, and spatial information, amino acid conservation, physicochemical variation, residue mobility, and thermodynamic stability) indicates that this missense variant is not expected to disrupt MEN1 protein function with a negative predictive value of 95%. In summary, the available evidence is currently insufficient to determine the role of this variant in disease. Therefore, it has been classified as a Variant of Uncertain Significance.

Ambry Genetics
Classification: Uncertain significance for Hereditary cancer-predisposing syndrome. Last evaluated: 2024-08-26. Review status: criteria provided, single submitter. Criteria: Ambry Variant Classification Scheme 2023. Collection method: clinical testing. Allele origin: germline.
Comment: The p.E274K variant (also known as c.820G>A), located in coding exon 4 of the MEN1 gene, results from a G to A substitution at nucleotide position 820. The glutamic acid at codon 274 is replaced by lysine, an amino acid with similar properties. This amino acid position is conserved. In addition, the in silico prediction for this alteration is inconclusive. Based on the available evidence, the clinical significance of this variant remains unclear.

NM_001370259.2(MEN1):c.820G>A (p.Glu274Lys)

Gene: MEN1 (menin 1; minus strand). Cytogenetic location: 11q13.1.
Variant type: single nucleotide variant.
Coding change: c.820G>A on transcript NM_001370259.2 (MANE Select); coding-DNA position 820, G replaced by A.
Protein change: p.Glu274Lys; replaces glutamic acid 274 with lysine.
Molecular consequence: missense variant.
Genome position (GRCh38, 1-based): chr11:64,807,183, C>T on the plus strand (G>A on the coding strand, the complement: MEN1 is on the minus strand). VCF-style: chr11-64807183-C-T. GRCh37 (hg19) VCF-style: chr11-64574655-C-T.
Other names: c.820G>A, p.Glu274Lys (NM_130799.3, NM_001370251.2, NM_001370260.2 and 1 more transcripts); c.835G>A, p.Glu279Lys (NM_130800.3, NM_130801.3, NM_130802.3 and 3 more transcripts); c.715G>A, p.Glu239Lys (NM_001370262.2, NM_001370263.2); short protein forms E239K, E274K, E279K.
Identifiers: ClinVar variation 944873 (VCV000944873.8), dbSNP rs1941791593, ClinGen allele CA381183886.